The following is an entry in ClinVar:

NM_000063.6(C2):c.849+66T>A

Gene: C2 (complement C2; plus strand). Cytogenetic location: 6p21.33.
Variant type: single nucleotide variant.
Coding change: c.849+66T>A on transcript NM_000063.6 (MANE Select); 66 bases into the intron after coding-DNA position 849, T replaced by A.
Molecular consequence: intron variant. On other transcripts: synonymous variant (1).
Genome position (GRCh38, 1-based): chr6:31,934,365, T>A. VCF-style: chr6-31934365-T-A. GRCh37 (hg19) VCF-style: chr6-31902142-T-A.
Other names: c.915T>A, p.Leu305= (NM_001282459.2); c.111+582T>A (NM_001282457.2); c.346+400T>A (NM_001178063.3); c.762+66T>A (NM_001282458.2); c.453+66T>A (NM_001145903.3).
Identifiers: ClinVar variation 4084494 (VCV004084494.8).

ClinVar aggregate classification (germline): Likely benign (1 of 4 stars; one submission).

gnomAD v4.1: 33 of 1,608,028 alleles (0.0021%); highest among the groups gnomAD compares: Non-Finnish European, 0.0026%; no homozygotes.

Submission:

CeGaT Center for Human Genetics Tuebingen
Classification: Likely benign. Last evaluated: 2026-04-01. Review status: criteria provided, single submitter. Criteria: CeGaT Center For Human Genetics Tuebingen Variant Classification Criteria Version 2. Collection method: clinical testing. Allele origin: germline. Affected: yes. Observed: 1 variant allele.
Comment: C2: BP4, BP7